The following is an entry in ClinVar:

NM_000548.5(TSC2):c.482-4C>T

Gene: TSC2 (TSC complex subunit 2; plus strand). Cytogenetic location: 16p13.3.
Variant type: single nucleotide variant.
Coding change: c.482-4C>T on transcript NM_000548.5 (MANE Select); 4 bases into the intron before coding-DNA position 482, C replaced by T.
Molecular consequence: intron variant.
Genome position (GRCh38, 1-based): chr16:2,055,398, C>T. VCF-style: chr16-2055398-C-T. GRCh37 (hg19) VCF-style: chr16-2105399-C-T.
Other names: c.482-4C>T (NM_001114382.3, NM_021055.3, NM_001370405.1 and 3 more transcripts); c.371-4C>T (NM_001318827.2); c.-1-798C>T (NM_001318831.2); c.335-4C>T (NM_001318829.2); c.515-4C>T (NM_001318832.2).
Identifiers: ClinVar variation 766539 (VCV000766539.17), dbSNP rs780938957, ClinGen allele CA052677.

ClinVar aggregate classification (germline): Benign/Likely benign. Review status: criteria provided, multiple submitters, no conflicts (2 of 4 stars). 5 submissions from 5 submitters: Benign (2); Likely benign (3). Last evaluated 2026-02-17.

Conditions:
Tuberous sclerosis 2 (TSC2). Identifiers: Orphanet 805, MedGen C1860707, MONDO:0013199, OMIM 613254.
Hereditary cancer-predisposing syndrome. Also called: Tumor predisposition; Neoplastic Syndromes, Hereditary; Hereditary Cancer Syndrome; Hereditary neoplastic syndrome. Identifiers: Orphanet 140162, MedGen C0027672, MeSH D009386, MONDO:0015356.

Allele frequency attached by ClinVar (database versions not stated): gnomAD 0.00001; ExAC 0.00002; TOPMed 0.00002.

Submissions (5):

Ambry Genetics
Classification: Likely benign for Hereditary cancer-predisposing syndrome. Last evaluated: 2026-02-17. Review status: criteria provided, single submitter. Criteria: Ambry Variant Classification Scheme 2023. Collection method: clinical testing. Allele origin: germline.

Labcorp Genetics (formerly Invitae), Labcorp
Classification: Likely benign for Tuberous sclerosis 2. Last evaluated: 2025-07-19. Review status: criteria provided, single submitter. Criteria: Invitae Variant Classification Sherloc (09022015). Collection method: clinical testing. Allele origin: germline.

Myriad Genetics, Inc.
Classification: Benign for Tuberous sclerosis 2. Last evaluated: 2024-09-09. Review status: criteria provided, single submitter. Criteria: Myriad Autosomal Dominant, Autosomal Recessive and X-Linked Classification Criteria (2023). Collection method: clinical testing. Allele origin: unknown.
Comment: This variant is considered benign. This variant is intronic and is not expected to impact mRNA splicing. This variant has been observed at a population frequency that is significantly greater than expected given the associated disease prevalence and penetrance.

Genome-Nilou Lab
Classification: Benign for Tuberous sclerosis 2. Last evaluated: 2021-11-07. Review status: criteria provided, single submitter. Criteria: ACMG Guidelines, 2015. Collection method: clinical testing. Allele origin: germline. Affected: no.

GeneDx
Classification: Likely benign. Last evaluated: 2020-09-15. Review status: criteria provided, single submitter. Criteria: GeneDx Variant Classification Process June 2021. Collection method: clinical testing. Allele origin: germline. Affected: yes.
Comment: In silico analysis supports that this variant does not alter splicing; Has not been previously published as pathogenic or benign to our knowledge